The following is an entry in ClinVar:

NM_001388492.1(HTT):c.6536C>T (p.Thr2179Ile)

Gene: HTT (huntingtin; plus strand). Cytogenetic location: 4p16.3.
Variant type: single nucleotide variant.
Coding change: c.6536C>T on transcript NM_001388492.1 (MANE Select); coding-DNA position 6536, C replaced by T.
Protein change: p.Thr2179Ile; replaces threonine 2179 with isoleucine.
Molecular consequence: missense variant.
Genome position (GRCh38, 1-based): chr4:3,212,050, C>T. VCF-style: chr4-3212050-C-T. GRCh37 (hg19) VCF-style: chr4-3213777-C-T.
Other names: c.6542C>T, p.Thr2181Ile (NM_002111.8); short protein forms T2179I, T2181I.
Identifiers: ClinVar variation 1392633 (VCV001392633.6), dbSNP rs758567290, ClinGen allele CA2825066.

ClinVar aggregate classification (germline): Uncertain significance (1 of 4 stars; one submission).

Allele frequency attached by ClinVar (database versions not stated): TOPMed below 0.00001; ExAC 0.00002; gnomAD exomes 0.00002; gnomAD 0.00003.
gnomAD v4.1: 116 of 1,614,182 alleles (0.0072%); highest among the groups gnomAD compares: East Asian, 0.26%; 2 homozygotes.

Submission:

Labcorp Genetics (formerly Invitae), Labcorp
Classification: Uncertain significance. Last evaluated: 2021-04-10. Review status: criteria provided, single submitter. Criteria: Invitae Variant Classification Sherloc (09022015). Collection method: clinical testing. Allele origin: germline.
Comment: In summary, the available evidence is currently insufficient to determine the role of this variant in disease. Therefore, it has been classified as a Variant of Uncertain Significance. Experimental studies and prediction algorithms are not available or were not evaluated, and the functional significance of this variant is currently unknown. This variant has not been reported in the literature in individuals with HTT-related conditions. The frequency data for this variant in the population databases is considered unreliable, as metrics indicate poor data quality at this position in the ExAC database. This sequence change replaces threonine with isoleucine at codon 2181 of the HTT protein (p.Thr2181Ile). The threonine residue is weakly conserved and there is a moderate physicochemical difference between threonine and isoleucine.